The following is an entry in ClinVar:

NC_000017.11:g.(?_58709849)_(58710000_?)del

Gene: RAD51C (RAD51 paralog C; plus strand). Cytogenetic location: 17q22.
Variant type: Deletion.
Identifiers: ClinVar variation 646950 (VCV000646950.2).

ClinVar aggregate classification (germline): Likely pathogenic (1 of 4 stars; one submission).

Conditions:
Fanconi anemia complementation group O. Also called: RAD51C-Related Fanconi Anemia. Identifiers: Orphanet 84, MedGen C3150653, MONDO:0013248, OMIM 613390.

Submission:

Labcorp Genetics (formerly Invitae), Labcorp
Classification: Likely pathogenic for Fanconi anemia, complementation group O. Last evaluated: 2019-02-15. Review status: criteria provided, single submitter. Criteria: Invitae Variant Classification Sherloc (09022015). Collection method: clinical testing. Allele origin: germline.
Comment: This variant is an in-frame deletion of the genomic region encompassing exon 5 of the RAD51C gene. It preserves the integrity of the reading frame. A deletion of exon 5 of the RAD51C gene has been reported in an individual who was referred for cancer gene panel testing, and an individual affected with breast cancer (PMID: 26681312, Invitae). This deletion removes the highly conserved Walker B ATPase domain of the RAD51C protein (PMID: 14704354). Moreover, a missense substitution at codon 258 (p.Arg258His) in exon 5 has been reported in individuals affected with breast and/or ovarian cancer, and shown to disrupt the RAD51C protein function in the repair of DNA replication-associated double-stranded breaks (PMID: 20400963, 22167183, 26354865). This suggests that deletion of exon 5 may also be pathogenic. In summary, the currently available evidence indicates that the variant is pathogenic, but additional data are needed to prove that conclusively. Therefore, this variant has been classified as Likely Pathogenic.

Literature cited by the submitters: PubMed 26681312; PubMed 26354865; PubMed 22167183; PubMed 20400963; PubMed 14704354.